The following is an entry in ClinVar:

NM_003630.3(PEX3):c.28A>C (p.Lys10Gln)

Gene: PEX3 (peroxisomal biogenesis factor 3; plus strand). Cytogenetic location: 6q24.2.
Variant type: single nucleotide variant.
Coding change: c.28A>C on transcript NM_003630.3 (MANE Select); coding-DNA position 28, A replaced by C.
Protein change: p.Lys10Gln; replaces lysine 10 with glutamine.
Molecular consequence: missense variant.
Genome position (GRCh38, 1-based): chr6:143,451,070, A>C. VCF-style: chr6-143451070-A-C. GRCh37 (hg19) VCF-style: chr6-143772207-A-C.
Other names: short protein forms K10Q.
Identifiers: ClinVar variation 1396659 (VCV001396659.3), dbSNP rs749589402, ClinGen allele CA4029425.

ClinVar aggregate classification (germline): Uncertain significance (1 of 4 stars; one submission).

Allele frequency attached by ClinVar (database versions not stated): gnomAD exomes below 0.00001 and 0.00001; TOPMed below 0.00001; ExAC 0.00002.
gnomAD v4.1: 3 of 1,613,854 alleles (0.00019%); highest among the groups gnomAD compares: Middle Eastern, 0.033%; no homozygotes.

Submission:

Labcorp Genetics (formerly Invitae), Labcorp
Classification: Uncertain significance. Last evaluated: 2022-07-06. Review status: criteria provided, single submitter. Criteria: Invitae Variant Classification Sherloc (09022015). Collection method: clinical testing. Allele origin: germline.
Comment: This sequence change replaces lysine, which is basic and polar, with glutamine, which is neutral and polar, at codon 10 of the PEX3 protein (p.Lys10Gln). This variant is present in population databases (rs749589402, gnomAD 0.002%). This variant has not been reported in the literature in individuals affected with PEX3-related conditions. ClinVar contains an entry for this variant (Variation ID: 1396659). Algorithms developed to predict the effect of missense changes on protein structure and function are either unavailable or do not agree on the potential impact of this missense change (SIFT: "Deleterious"; PolyPhen-2: "Benign"; Align-GVGD: "Class C0"). In summary, the available evidence is currently insufficient to determine the role of this variant in disease. Therefore, it has been classified as a Variant of Uncertain Significance.